The following is an entry in ClinVar:

ClinVar aggregate classification (germline): Uncertain significance. Review status: criteria provided, multiple submitters, no conflicts (2 of 4 stars). 2 submissions from 2 submitters: Uncertain significance (2). Last evaluated 2026-01-22.

Conditions:
SH2B1-related disorder. Also called: SH2B1-related condition.

Submissions (2):

PreventionGenetics, part of Exact Sciences
Classification: Uncertain significance for SH2B1-related condition. Last evaluated: 2026-01-22. Review status: criteria provided, single submitter. Criteria: ACMG Guidelines, 2015. Collection method: clinical testing. Allele origin: germline.
Comment: The SH2B1 c.2195A>G variant is predicted to result in the amino acid substitution p.Gln732Arg. To our knowledge, this variant has not been reported in the literature or in a large population database, indicating this variant is rare. At this time, the clinical significance of this variant is uncertain due to the absence of conclusive functional and genetic evidence.

Ambry Genetics
Classification: Uncertain significance. Last evaluated: 2025-08-22. Review status: criteria provided, single submitter. Criteria: Ambry Variant Classification Scheme 2023. Collection method: clinical testing. Allele origin: germline.

NM_001387430.1(SH2B1):c.2195A>G (p.Gln732Arg)

Gene: SH2B1 (SH2B adaptor protein 1; plus strand). Cytogenetic location: 16p11.2.
Variant type: single nucleotide variant.
Coding change: c.2195A>G on transcript NM_001387430.1 (MANE Select); coding-DNA position 2195, A replaced by G.
Protein change: p.Gln732Arg; replaces glutamine 732 with arginine.
Molecular consequence: missense variant. On other transcripts: 3 prime UTR variant (5).
Genome position (GRCh38, 1-based): chr16:28,873,744, A>G. VCF-style: chr16-28873744-A-G. GRCh37 (hg19) VCF-style: chr16-28885065-A-G.
Other names: c.2195A>G, p.Gln732Arg (NM_001145795.2, NM_001308293.2, NM_001387404.1); c.*279A>G (NM_001145796.2, NM_001145812.2, NM_001308294.2 and 1 more transcripts); c.*296A>G (NM_001145797.2); short protein forms Q732R.
Identifiers: ClinVar variation 4163889 (VCV004163889.2).